The following is an entry in ClinVar:

ClinVar aggregate classification (germline): Benign (1 of 4 stars; one submission).

Conditions:
Keratosis follicularis (DAR). Also called: Darier disease; Darier's disease. Identifiers: Orphanet 218, MedGen C0022595, MONDO:0007417, OMIM 124200.

Allele frequency attached by ClinVar (database versions not stated): gnomAD 0.00002 and 0.00003; gnomAD exomes 0.00003 and 0.00005; TOPMed 0.00005; ExAC 0.00007.
gnomAD v4.1: 42 of 1,614,110 alleles (0.0026%); highest among the groups gnomAD compares: Admixed American, 0.01%; no homozygotes.

Submission:

Illumina Laboratory Services, Illumina
Classification: Benign for Keratosis follicularis. Last evaluated: 2018-01-12. Review status: criteria provided, single submitter. Criteria: ICSL Variant Classification Criteria 13 December 2019. Collection method: clinical testing. Allele origin: germline.
Comment: This variant was observed in the ICSL laboratory as part of a predisposition screen in an ostensibly healthy population. It had not been previously curated by ICSL or reported in the Human Gene Mutation Database (HGMD: prior to June 1st, 2018), and was therefore a candidate for classification through an automated scoring system. Utilizing variant allele frequency, disease prevalence and penetrance estimates, and inheritance mode, an automated score was calculated to assess if this variant is too frequent to cause the disease. Based on the score and internal cut-off values, a variant classified as benign is not then subjected to further curation. The score for this variant resulted in a classification of benign for this disease.

NM_170665.4(ATP2A2):c.1912A>G (p.Ile638Val)

Genes: ATP2A2 (ATPase sarcoplasmic/endoplasmic reticulum Ca2+ transporting 2; plus strand), LOC126861637 (MED14-independent group 3 enhancer GRCh37_chr12:110778306-110779505; plus strand). Cytogenetic location: 12q24.11.
Variant type: single nucleotide variant.
Coding change: c.1912A>G on transcript NM_170665.4 (MANE Select); coding-DNA position 1912, A replaced by G.
Protein change: p.Ile638Val; replaces isoleucine 638 with valine.
Molecular consequence: missense variant.
Genome position (GRCh38, 1-based): chr12:110,340,809, A>G. VCF-style: chr12-110340809-A-G. GRCh37 (hg19) VCF-style: chr12-110778614-A-G.
Other names: c.1912A>G, p.Ile638Val (NM_001681.4); short protein forms I638V.
Identifiers: ClinVar variation 307175 (VCV000307175.5), dbSNP rs199966458, ClinGen allele CA6783999.